The following is an entry in ClinVar:

ClinVar aggregate classification (germline): Conflicting classifications of pathogenicity. Review status: criteria provided, conflicting classifications (1 of 4 stars). 5 submissions from 5 submitters: Likely pathogenic (2); Uncertain significance (3). Last evaluated 2025-09-03.

Conditions:
Macrothrombocytopenia, isolated, 1, autosomal dominant (MACTHC1). Also called: Autosomal dominant macrothrombocytopenia TUBB1-related. Identifiers: Orphanet 140957, MedGen C5676892, MONDO:0800047, OMIM 613112.
Macrothrombocytopenia. Identifiers: MedGen C2751260, HP:0040185.

Allele frequency attached by ClinVar (database versions not stated): gnomAD below 0.00001 and 0.00001.
gnomAD v4.1: 15 of 1,614,048 alleles (0.00093%); highest among the groups gnomAD compares: South Asian, 0.0055%; no homozygotes.

Submissions (5):

Women's Health and Genetics/Laboratory Corporation of America, LabCorp
Classification: Likely pathogenic for Macrothrombocytopenia, isolated, 1, autosomal dominant. Last evaluated: 2025-09-03. Review status: criteria provided, single submitter. Criteria: LabCorp Variant Classification Summary - May 2015. Collection method: clinical testing. Allele origin: germline.
Comment: Variant summary: TUBB1 c.752G>A (p.Arg251His) results in a non-conservative amino acid change in the encoded protein sequence. Algorithms developed to predict the effect of missense changes on protein structure and function all suggest that this variant is likely to be disruptive. The variant allele was found at a frequency of 1.2e-05 in 251450 control chromosomes (gnomAD). c.752G>A has been observed in individuals affected with Autosomal Dominant Macrothrombocytopenia TUBB1-Related (Matsumura_2019, Downes_2019, Stefanucci_2023, Bandini_2024). These data indicate that the variant is likely to be associated with disease. At least one publication reports experimental evidence evaluating an impact on protein function and this variant affected the TUBB1 protein function (Matsumura_2019). The following publications have been ascertained in the context of this evaluation (PMID: 38158197, 31064749, 33718801, 30854628, 37647632). ClinVar contains an entry for this variant (Variation ID: 627129). Based on the evidence outlined above, the variant was classified as likely pathogenic.

Labcorp Genetics (formerly Invitae), Labcorp
Classification: Uncertain significance. Last evaluated: 2025-04-30. Review status: criteria provided, single submitter. Criteria: Invitae Variant Classification Sherloc (09022015). Collection method: clinical testing. Allele origin: germline.
Comment: This sequence change replaces arginine, which is basic and polar, with histidine, which is basic and polar, at codon 251 of the TUBB1 protein (p.Arg251His). This variant is present in population databases (rs770226644, gnomAD 0.02%). This missense change has been observed in individual(s) with clinical features of TUBB1-related conditions (PMID: 30854628, 31064749, 33718801). ClinVar contains an entry for this variant (Variation ID: 627129). Invitae Evidence Modeling of protein sequence and biophysical properties (such as structural, functional, and spatial information, amino acid conservation, physicochemical variation, residue mobility, and thermodynamic stability) indicates that this missense variant is expected to disrupt TUBB1 protein function with a positive predictive value of 80%. Experimental studies have shown that this missense change affects TUBB1 function (PMID: 30854628). In summary, the available evidence is currently insufficient to determine the role of this variant in disease. Therefore, it has been classified as a Variant of Uncertain Significance.

Mayo Clinic Laboratories, Mayo Clinic
Classification: Likely pathogenic. Last evaluated: 2025-01-02. Review status: criteria provided, single submitter. Criteria: ACMG Guidelines, 2015. Collection method: clinical testing. Allele origin: germline. Observed: 1 variant allele.
Comment: PP3, PM1_supporting, PS3

Blueprint Genetics
Classification: Uncertain significance. Last evaluated: 2024-07-29. Review status: criteria provided, single submitter. Criteria: ACMG Guidelines, 2015. Collection method: clinical testing. Allele origin: germline.

NIHR Bioresource Rare Diseases, University of Cambridge
Classification: Uncertain significance for Macrothrombocytopenia. Last evaluated: 2019-02-01. Review status: criteria provided, single submitter. Criteria: ACMG Guidelines, 2015. Collection method: research. Allele origin: unknown. Affected: yes. Observed: 1 heterozygote. Study: ThromboGenomics.

Literature cited by the submitters: PubMed 33718801 (cited by 3 submitters); PubMed 31064749 (cited by 4 submitters); PubMed 38158197 (cited by Women's Health and Genetics/Laboratory Corporation of America, LabCorp and Mayo Clinic Laboratories, Mayo Clinic); PubMed 37647632 (cited by Women's Health and Genetics/Laboratory Corporation of America, LabCorp and Mayo Clinic Laboratories, Mayo Clinic); PubMed 30854628 (cited by 3 submitters).

NM_030773.4(TUBB1):c.752G>A (p.Arg251His)

Gene: TUBB1 (tubulin beta 1 class VI; plus strand). Cytogenetic location: 20q13.32.
Variant type: single nucleotide variant.
Coding change: c.752G>A on transcript NM_030773.4 (MANE Select); coding-DNA position 752, G replaced by A.
Protein change: p.Arg251His; replaces arginine 251 with histidine.
Molecular consequence: missense variant.
Genome position (GRCh38, 1-based): chr20:59,024,179, G>A. VCF-style: chr20-59024179-G-A. GRCh37 (hg19) VCF-style: chr20-57599234-G-A.
Other names: p.Arg251His; short protein forms R251H.
Identifiers: ClinVar variation 627129 (VCV000627129.6), dbSNP rs770226644, ClinGen allele CA9928575.
Genomic context (GRCh38, chr20:59,024,179, plus strand): 5'-TGACCATGAGCGGCATAACCACCTCCCTCCGGTTCCCGGGTCAGCTCAACGCAGACCTGC[G>A]CAAGCTGGCGGTGAACATGGTCCCCTTCCCCCGCCTGCACTTCTTTATGCCCGGCTTTGC-3'
Protein context (NP_110400.1, residues 241-261): RFPGQLNADL[Arg251His]KLAVNMVPFP